The following is an entry in ClinVar:

NM_001126108.2(SLC12A3):c.1126del (p.Leu376fs)

Gene: SLC12A3 (solute carrier family 12 member 3; plus strand). Cytogenetic location: 16q13.
Variant type: Deletion.
Coding change: c.1126del on transcript NM_001126108.2 (MANE Select); coding-DNA position 1126, one base deleted (C; older notation c.1126delC).
Protein change: p.Leu376fs; shifts the reading frame from leucine 376.
Molecular consequence: frameshift variant.
Genome position (GRCh38, 1-based): chr16:56,878,107, C deleted; the last of 3 consecutive C bases (chr16:56,878,105-56,878,107); deleting any one gives the same sequence. VCF-style (leftmost placement, unchanged base first): chr16-56878104-AC-A. GRCh37 (hg19) VCF-style: chr16-56912016-AC-A.
Other names: c.1126del, p.Leu376fs (NM_000339.3); c.1123del, p.Leu375fs (NM_001126107.2); short protein forms L375fs, L376fs.
Identifiers: ClinVar variation 419448 (VCV000419448.2), dbSNP rs1064793879, ClinGen allele CA16620215.

ClinVar aggregate classification (germline): Pathogenic (1 of 4 stars; one submission).

Submission:

GeneDx
Classification: Pathogenic. Last evaluated: 2015-07-06. Review status: criteria provided, single submitter. Criteria: GeneDx Variant Classification (06012015). Collection method: clinical testing. Allele origin: germline. Affected: yes.
Comment: The c.1126delC deletion in the SLC12A3 gene has not been reported previously as a pathogenic variant nor as a benign polymorphism, to our knowledge. The c.1126delC deletion causes a frameshiftstarting with codon Leucine 376, changes this amino acid to a Serine residue, and creates a premature Stopcodon at position 30 of the new reading frame, denoted p.Leu379SerfsX30. This variant is predicted tocause loss of normal protein function either through protein truncation or nonsense-mediated mRNAdecay. The c.1126delC deletion was not observed in approximately 6,500 individuals of European andAfrican American ancestry in the NHLBI Exome Sequencing Project, indicating it is not a common benignvariant in these populations. We interpret c.1126delC as a pathogenic variant.